The following is an entry in ClinVar:

NM_000363.5(TNNI3):c.585C>T (p.Ile195=)

Gene: TNNI3 (troponin I3, cardiac type; minus strand). Cytogenetic location: 19q13.42.
Variant type: single nucleotide variant.
Coding change: c.585C>T on transcript NM_000363.5 (MANE Select); coding-DNA position 585, C replaced by T.
Protein change: p.Ile195=; no amino-acid change (isoleucine 195 retained).
Molecular consequence: synonymous variant.
Genome position (GRCh38, 1-based): chr19:55,151,882, G>A on the plus strand (C>T on the coding strand, the complement: TNNI3 is on the minus strand). VCF-style: chr19-55151882-G-A. GRCh37 (hg19) VCF-style: chr19-55663250-G-A.
Identifiers: ClinVar variation 918687 (VCV000918687.18), dbSNP rs200085986, ClinGen allele CA051883.

ClinVar aggregate classification (germline): Likely benign. Review status: criteria provided, multiple submitters, no conflicts (2 of 4 stars). 8 submissions from 8 submitters: Likely benign (6). 2 of the submissions do not count toward it. Last evaluated 2026-01-15.

Conditions:
TNNI3-related disorder. Also called: TNNI3-related disorders; TNNI3-related condition.
Cardiovascular phenotype. Identifiers: MedGen CN230736.
Hypertrophic cardiomyopathy. Also called: HYPERTROPHIC MYOCARDIOPATHY. Identifiers: Orphanet 217569, MedGen C0007194, MeSH D002312, MONDO:0005045, HP:0001639.
Cardiomyopathy (CMYO). Also called: Cardiomyopathies. Identifiers: Orphanet 167848, MedGen C0878544, MONDO:0004994, HP:0001638. Inheritance: Various modes of inheritance.

Allele frequency attached by ClinVar (database versions not stated): gnomAD 0.00001; TOPMed 0.00002; gnomAD exomes 0.00006; ESP Exome Variant Server 0.00008; ExAC 0.00009.
gnomAD v4.1: 35 of 1,614,022 alleles (0.0022%); highest among the groups gnomAD compares: Non-Finnish European, 0.0026%; no homozygotes.

Submissions (8):

Labcorp Genetics (formerly Invitae), Labcorp
Classification: Likely benign for Hypertrophic cardiomyopathy. Last evaluated: 2026-01-15. Review status: criteria provided, single submitter. Criteria: Invitae Variant Classification Sherloc (09022015). Collection method: clinical testing. Allele origin: germline.

PreventionGenetics, part of Exact Sciences
Classification: Likely benign for TNNI3-related condition. Last evaluated: 2025-09-29. Review status: criteria provided, single submitter. Criteria: ACMG Guidelines, 2015. Collection method: clinical testing. Allele origin: germline.
Comment: This variant is classified as likely benign based on ACMG/AMP sequence variant interpretation guidelines (Richards et al. 2015 PMID: 25741868, with internal and published modifications).

Molecular Diagnostic Laboratory for Inherited Cardiovascular Disease, Montreal Heart Institute
Classification: Likely benign. Last evaluated: 2025-07-24. Review status: criteria provided, single submitter. Criteria: ACMG Guidelines, 2015. Collection method: clinical testing. Allele origin: germline. Affected: no.

All of Us Research Program, National Institutes of Health
Classification: Likely benign for Hypertrophic cardiomyopathy. Last evaluated: 2023-12-13. Review status: criteria provided, single submitter. Criteria: ACMG Guidelines, 2015. Collection method: clinical testing. Allele origin: germline. Inheritance: Autosomal dominant inheritance. Observed: 7 variant alleles, 7 heterozygotes.
Comment: This study involves interpretation of variants in research participants for the purpose of population health screening. Participant phenotype was not available at the time of variant classification. Additional details can be found in publication PMID: 35346344, PMCID: PMC8962531

Ambry Genetics
Classification: Likely benign for Cardiovascular phenotype. Last evaluated: 2019-11-25. Review status: criteria provided, single submitter. Criteria: Ambry Variant Classification Scheme 2023. Collection method: clinical testing. Allele origin: germline.

Color Diagnostics, LLC DBA Color Health
Classification: Likely benign for Cardiomyopathy. Last evaluated: 2019-11-04. Review status: criteria provided, single submitter. Criteria: ACMG Guidelines, 2015. Collection method: clinical testing. Allele origin: germline.

Genome Diagnostics Laboratory, University Medical Center Utrecht
Classification: Likely benign. Review status: no assertion criteria provided. Collection method: clinical testing. Allele origin: germline. Affected: yes. Study: VKGL Data-share Consensus. Not counted in ClinVar's aggregate classification.

Joint Genome Diagnostic Labs from Nijmegen and Maastricht, Radboudumc and MUMC+
Classification: Likely benign. Review status: no assertion criteria provided. Collection method: clinical testing. Allele origin: germline. Affected: yes. Study: VKGL Data-share Consensus. Not counted in ClinVar's aggregate classification.